The following is an entry in ClinVar:

ClinVar aggregate classification (germline): Uncertain significance. Review status: criteria provided, multiple submitters, no conflicts (2 of 4 stars). 2 submissions from 2 submitters: Uncertain significance (2). Last evaluated 2025-10-14.

Conditions:
Intellectual developmental disorder, autosomal recessive 65. Also called: Intellectual disability, autosomal recessive 65; MENTAL RETARDATION, AUTOSOMAL RECESSIVE 65. Identifiers: MedGen C4748219, MONDO:0020850, OMIM 618109.

Submissions (2):

Victorian Clinical Genetics Services, Murdoch Childrens Research Institute
Classification: Uncertain significance for Intellectual developmental disorder, autosomal recessive 65. Last evaluated: 2025-10-14. Review status: criteria provided, single submitter. Criteria: ACMG Guidelines, 2015. Collection method: clinical testing. Allele origin: germline. Affected: yes.
Comment: This variant is classified as VUS-3B. Evidence in support of pathogenic classification: Variant is absent from gnomAD (v2, v3 and v4). Additional information: Variant is predicted to result in a missense amino acid change from Val to Met; This variant is heterozygous; This gene is associated with both recessive and dominant disease. Biallelic pathogenic variants are associated with a more severe, syndromic intellectual disability (PMID: 29276005; DECIPHER). Heterozygous variants have also been reported in association with autosomal dominant intellectual developmental disorder; however, these variants are also frequently observed in apparently unaffected individuals (PMIDs: 29276005, 30217758, 30409806); Alternative amino acid change(s) at the same position are present in gnomAD (Highest allele count: v4: 1 heterozygote(s), 0 homozygote(s)) ; Previous evidence of pathogenicity for this variant is inconclusive. This variant has been classified as a VUS by a clinical laboratory in ClinVar; No published evidence of segregation with disease has been identified for this variant; No published functional evidence has been identified for this variant; No comparable missense variants have previous evidence for pathogenicity; Variant is located in the annotated JmjC domain, hydroxylase domain (DECIPHER); Missense variant with inconclusive in silico prediction and uninformative conservation; Loss of function is a known mechanism of disease in this gene and is associated with autosomal recessive intellectual disability 65 (MIM#618109) and autosomal dominant neurodevelopmental disorder (MONDO:0700092), KDM5B-related; The condition associated with this gene has incomplete penetrance. While the recessive condition is fully penetrant, incomplete penetrance has been suggested for the autosomal dominant condition, where unaffected carriers of loss of function variants have been reported (PMID: 30217758, 30409806); Variants in this gene are known to have variable expressivity (PMID: 39202393).

GeneDx
Classification: Uncertain significance. Last evaluated: 2022-04-27. Review status: criteria provided, single submitter. Criteria: GeneDx Variant Classification Process June 2021. Collection method: clinical testing. Allele origin: germline. Affected: yes.
Comment: Not observed at significant frequency in large population cohorts (gnomAD); In silico analysis supports that this missense variant has a deleterious effect on protein structure/function; Has not been previously published as pathogenic or benign to our knowledge

Literature cited by the submitters: PubMed 30409806 (cited by Victorian Clinical Genetics Services, Murdoch Childrens Research Institute); PubMed 29276005 (cited by Victorian Clinical Genetics Services, Murdoch Childrens Research Institute); PubMed 30217758 (cited by Victorian Clinical Genetics Services, Murdoch Childrens Research Institute); PubMed 39202393 (cited by Victorian Clinical Genetics Services, Murdoch Childrens Research Institute).

NM_006618.5(KDM5B):c.1657G>A (p.Val553Met)

Gene: KDM5B (lysine demethylase 5B; minus strand). Cytogenetic location: 1q32.1.
Variant type: single nucleotide variant.
Coding change: c.1657G>A on transcript NM_006618.5 (MANE Select); coding-DNA position 1657, G replaced by A.
Protein change: p.Val553Met; replaces valine 553 with methionine.
Molecular consequence: missense variant.
Genome position (GRCh38, 1-based): chr1:202,752,949, C>T on the plus strand (G>A on the coding strand, the complement: KDM5B is on the minus strand). VCF-style: chr1-202752949-C-T. GRCh37 (hg19) VCF-style: chr1-202722077-C-T.
Other names: c.1765G>A, p.Val589Met (NM_001314042.2); c.1522G>A, p.Val508Met (NM_001347591.2); c.1642G>A, p.Val548Met (NM_001399817.1); short protein forms V508M, V548M, V553M, V589M.
Identifiers: ClinVar variation 1712819 (VCV001712819.3), dbSNP rs746994250, ClinGen allele CA344269109.